The following is an entry in ClinVar:

ClinVar aggregate classification (germline): Likely benign. Review status: criteria provided, multiple submitters, no conflicts (2 of 4 stars). 2 submissions from 2 submitters: Likely benign (2). Last evaluated 2025-03-13.

Conditions:
Dilated cardiomyopathy 1G (CMD1G). Identifiers: Orphanet 154, MedGen C1858763, MONDO:0011400, OMIM 604145.
Autosomal recessive limb-girdle muscular dystrophy type 2J (LGMDR10). Also called: MUSCULAR DYSTROPHY, LIMB-GIRDLE, AUTOSOMAL RECESSIVE 10; Limb-girdle muscular dystrophy, type 2J. Identifiers: Orphanet 140922, MedGen C1837342, MONDO:0012127, OMIM 608807.

Allele frequency attached by ClinVar (database versions not stated): gnomAD exomes below 0.00001; TOPMed below 0.00001; ExAC 0.00001; gnomAD 0.00001.
gnomAD v4.1: 7 of 1,613,828 alleles (0.00043%); highest among the groups gnomAD compares: Non-Finnish European, 0.00051%; no homozygotes.

Submissions (2):

Labcorp Genetics (formerly Invitae), Labcorp
Classification: Likely benign for Dilated cardiomyopathy 1G; Autosomal recessive limb-girdle muscular dystrophy type 2J. Last evaluated: 2025-03-13. Review status: criteria provided, single submitter. Criteria: Invitae Variant Classification Sherloc (09022015). Collection method: clinical testing. Allele origin: germline.

GeneDx
Classification: Likely benign. Last evaluated: 2016-08-17. Review status: criteria provided, single submitter. Criteria: GeneDx Variant Classification (06012015). Collection method: clinical testing. Allele origin: germline. Affected: yes.
Comment: This variant is considered likely benign or benign based on one or more of the following criteria: it is a conservative change, it occurs at a poorly conserved position in the protein, it is predicted to be benign by multiple in silico algorithms, and/or has population frequency not consistent with disease.

NM_001267550.2(TTN):c.13518A>G (p.Glu4506=)

Gene: TTN (titin; minus strand). Cytogenetic location: 2q31.2.
Variant type: single nucleotide variant.
Coding change: c.13518A>G on transcript NM_001267550.2 (MANE Select); coding-DNA position 13518, A replaced by G.
Protein change: p.Glu4506=; no amino-acid change (glutamic acid 4506 retained).
Molecular consequence: synonymous variant. On other transcripts: intron variant (1).
Genome position (GRCh38, 1-based): chr2:178,739,715, T>C on the plus strand (A>G on the coding strand, the complement: TTN is on the minus strand). VCF-style: chr2-178739715-T-C. GRCh37 (hg19) VCF-style: chr2-179604442-T-C.
Other names: c.12567A>G, p.Glu4189= (NM_001256850.1); c.12429A>G, p.Glu4143= (NM_003319.4); c.12804A>G, p.Glu4268= (NM_133432.3); c.13005A>G, p.Glu4335= (NM_133437.4); c.10361-1355A>G (NM_133378.4).
Identifiers: ClinVar variation 388589 (VCV000388589.13), dbSNP rs764376907, ClinGen allele CA2002567.